The following is an entry in ClinVar:

ClinVar aggregate classification (germline): Likely benign (1 of 4 stars; one submission).

gnomAD v4.1: 108 of 1,614,088 alleles (0.0067%); highest among the groups gnomAD compares: African/African-American, 0.13%; no homozygotes.

Submission:

CeGaT Center for Human Genetics Tuebingen
Classification: Likely benign. Last evaluated: 2026-07-01. Review status: criteria provided, single submitter. Criteria: CeGaT Center For Human Genetics Tuebingen Variant Classification Criteria Version 2. Collection method: clinical testing. Allele origin: germline. Affected: yes. Observed: 1 variant allele.
Comment: ATP2B1: BP4, BP7

NM_001366521.1(ATP2B1):c.2589T>C (p.Asn863=)

Gene: ATP2B1 (ATPase plasma membrane Ca2+ transporting 1; minus strand). Cytogenetic location: 12q21.33.
Variant type: single nucleotide variant.
Coding change: c.2589T>C on transcript NM_001366521.1 (MANE Select); coding-DNA position 2589, T replaced by C.
Protein change: p.Asn863=; no amino-acid change (asparagine 863 retained).
Molecular consequence: synonymous variant. On other transcripts: non-coding transcript variant (3).
Genome position (GRCh38, 1-based): chr12:89,604,200, A>G on the plus strand (T>C on the coding strand, the complement: ATP2B1 is on the minus strand). VCF-style: chr12-89604200-A-G. GRCh37 (hg19) VCF-style: chr12-89997977-A-G.
Other names: c.2589T>C, p.Asn863= (NM_001001323.2, NM_001366520.1, NM_001366522.1 and 12 more transcripts); c.2391T>C, p.Asn797= (NM_001366530.1, NM_001413053.1); c.2028T>C, p.Asn676= (NM_001366531.1, NM_001366532.1, NM_001413058.1 and 2 more transcripts); c.2550T>C, p.Asn850= (NM_001413048.1); c.2448T>C, p.Asn816= (NM_001413051.1, NM_001413052.1, NM_001413055.1); c.2346T>C, p.Asn782= (NM_001413054.1); c.2334T>C, p.Asn778= (NM_001413056.1); c.2136T>C, p.Asn712= (NM_001413057.1).
Identifiers: ClinVar variation 5038675 (VCV005038675.1).